The following is an entry in ClinVar:

ClinVar aggregate classification (germline): Benign. Review status: criteria provided, multiple submitters, no conflicts (2 of 4 stars). 7 submissions from 7 submitters: Benign (6). 1 of the submissions does not count toward it. Last evaluated 2026-02-04.

Conditions:
ALG1-related disorder. Also called: ALG1-related condition.
ALG1-congenital disorder of glycosylation. Also called: CDG Ik; CONGENITAL DISORDER OF GLYCOSYLATION, TYPE Ik; ALG1-CDG. Identifiers: Orphanet 79327, MedGen C2931005, MONDO:0012052, OMIM 608540.

Allele frequency attached by ClinVar (database versions not stated): 1000 Genomes Project 0.03015; 1000 Genomes Project 30x 0.03295; ExAC 0.03823; gnomAD exomes 0.03879 and 0.04997; gnomAD 0.04719 and 0.04852; TOPMed 0.04856; ESP Exome Variant Server 0.05468.

Submissions (7):

Labcorp Genetics (formerly Invitae), Labcorp
Classification: Benign for ALG1-congenital disorder of glycosylation. Last evaluated: 2026-02-04. Review status: criteria provided, single submitter. Criteria: Invitae Variant Classification Sherloc (09022015). Collection method: clinical testing. Allele origin: germline.

Mayo Clinic Laboratories, Mayo Clinic
Classification: Benign. Last evaluated: 2022-03-09. Review status: criteria provided, single submitter. Criteria: ACMG Guidelines, 2015. Collection method: clinical testing. Allele origin: germline. Observed: 32 variant alleles.

Fulgent Genetics
Classification: Benign for ALG1-congenital disorder of glycosylation. Last evaluated: 2021-07-19. Review status: criteria provided, single submitter. Criteria: ACMG Guidelines, 2015. Collection method: clinical testing. Allele origin: unknown.

Eurofins Ntd Llc (ga)
Classification: Benign. Last evaluated: 2016-03-24. Review status: criteria provided, single submitter. Criteria: EGL Classification Definitions 2015. Collection method: clinical testing. Allele origin: germline. Observed: 9 variant alleles, 8 heterozygotes, 1 homozygote.

GeneDx
Classification: Benign. Last evaluated: 2016-02-08. Review status: criteria provided, single submitter. Criteria: GeneDx Variant Classification (06012015). Collection method: clinical testing. Allele origin: germline. Affected: yes.
Comment: This variant is considered likely benign or benign based on one or more of the following criteria: it is a conservative change, it occurs at a poorly conserved position in the protein, it is predicted to be benign by multiple in silico algorithms, and/or has population frequency not consistent with disease.

Breakthrough Genomics
Classification: Benign. Review status: criteria provided, single submitter. Criteria: ACMG Guidelines, 2015. Collection method: not provided. Allele origin: germline. Inheritance: Autosomal recessive inheritance. Affected: yes.

PreventionGenetics, part of Exact Sciences
Classification: Benign for ALG1-related condition. Last evaluated: 2023-12-01. Review status: no assertion criteria provided. Collection method: clinical testing. Allele origin: germline. Not counted in ClinVar's aggregate classification.
Comment: This variant is classified as benign based on ACMG/AMP sequence variant interpretation guidelines (Richards et al. 2015 PMID: 25741868, with internal and published modifications).

NM_019109.5(ALG1):c.840G>C (p.Leu280=)

Gene: ALG1 (ALG1 chitobiosyldiphosphodolichol beta-mannosyltransferase; plus strand). Cytogenetic location: 16p13.3.
Variant type: single nucleotide variant.
Coding change: c.840G>C on transcript NM_019109.5 (MANE Select); coding-DNA position 840, G replaced by C.
Protein change: p.Leu280=; no amino-acid change (leucine 280 retained).
Molecular consequence: synonymous variant.
Genome position (GRCh38, 1-based): chr16:5,078,856, G>C. VCF-style: chr16-5078856-G-C. GRCh37 (hg19) VCF-style: chr16-5128857-G-C.
Other names: p.Leu280=; c.507G>C, p.Leu169= (NM_001330504.2).
Identifiers: ClinVar variation 95937 (VCV000095937.19), dbSNP rs12921879, ClinGen allele CA149059.